The following is an entry in ClinVar:

NM_001282225.2(ADA2):c.977G>A (p.Gly326Glu)

Gene: ADA2 (adenosine deaminase 2; minus strand). Cytogenetic location: 22q11.1.
Variant type: single nucleotide variant.
Coding change: c.977G>A on transcript NM_001282225.2 (MANE Select); coding-DNA position 977, G replaced by A.
Protein change: p.Gly326Glu; replaces glycine 326 with glutamic acid.
Molecular consequence: missense variant.
Genome position (GRCh38, 1-based): chr22:17,188,443, C>T on the plus strand (G>A on the coding strand, the complement: ADA2 is on the minus strand). VCF-style: chr22-17188443-C-T. GRCh37 (hg19) VCF-style: chr22-17669333-C-T.
Other names: c.977G>A, p.Gly326Glu (NM_001282226.2); c.851G>A, p.Gly284Glu (NM_001282227.2, NM_001282228.2); c.617G>A, p.Gly206Glu (NM_001282229.2); c.254G>A, p.Gly85Glu (NM_177405.3); short protein forms G206E, G326E, G284E, G85E.
Identifiers: ClinVar variation 964448 (VCV000964448.9), dbSNP rs760228190, ClinGen allele CA10088007.

ClinVar aggregate classification (germline): Uncertain significance (1 of 4 stars; one submission).

Conditions:
Deficiency of adenosine deaminase 2. Also called: Polyarteritis nodosa, childhoood-onset; Adenosine Deaminase 2 Deficiency; VASCULITIS, AUTOINFLAMMATION, IMMUNODEFICIENCY, AND HEMATOLOGIC DEFECTS SYNDROME. Identifiers: Orphanet 404553, MedGen C3887654, MONDO:0014306, OMIM 615688, MONDO:0100317.

Allele frequency attached by ClinVar (database versions not stated): gnomAD exomes below 0.00001; ExAC 0.00001.
gnomAD v4.1: 7 of 1,609,886 alleles (0.00043%); highest among the groups gnomAD compares: South Asian, 0.0033%; no homozygotes.

Submission:

Labcorp Genetics (formerly Invitae), Labcorp
Classification: Uncertain significance for Deficiency of adenosine deaminase 2. Last evaluated: 2023-11-27. Review status: criteria provided, single submitter. Criteria: Invitae Variant Classification Sherloc (09022015). Collection method: clinical testing. Allele origin: germline.
Comment: This sequence change replaces glycine, which is neutral and non-polar, with glutamic acid, which is acidic and polar, at codon 326 of the ADA2 protein (p.Gly326Glu). This variant is present in population databases (rs760228190, gnomAD 0.003%). This missense change has been observed in individual(s) with clinical features of deficiency of adenosine deaminase 2 (DADA2) (Invitae). ClinVar contains an entry for this variant (Variation ID: 964448). Advanced modeling of protein sequence and biophysical properties (such as structural, functional, and spatial information, amino acid conservation, physicochemical variation, residue mobility, and thermodynamic stability) performed at Invitae indicates that this missense variant is expected to disrupt ADA2 protein function with a positive predictive value of 95%. In summary, the available evidence is currently insufficient to determine the role of this variant in disease. Therefore, it has been classified as a Variant of Uncertain Significance.